The following is an entry in ClinVar:

NM_001080495.3(TNRC18):c.2898C>T (p.Ala966=)

Gene: TNRC18 (trinucleotide repeat containing 18; minus strand). Cytogenetic location: 7p22.1.
Variant type: single nucleotide variant.
Coding change: c.2898C>T on transcript NM_001080495.3 (MANE Select); coding-DNA position 2898, C replaced by T.
Protein change: p.Ala966=; no amino-acid change (alanine 966 retained).
Molecular consequence: synonymous variant.
Genome position (GRCh38, 1-based): chr7:5,374,386, G>A on the plus strand (C>T on the coding strand, the complement: TNRC18 is on the minus strand). VCF-style: chr7-5374386-G-A. GRCh37 (hg19) VCF-style: chr7-5414017-G-A.
Identifiers: ClinVar variation 790989 (VCV000790989.27), dbSNP rs369944823, ClinGen allele CA4145176.
Genomic context (GRCh38, chr7:5,374,386, plus strand): 5'-GTAGGTGCCCGCGGGGCCGGCGGCCAGGCCAGGGGGCTTCCGCGGCAGCAGCCCGGGGCC[G>A]GCGGTGGCCAGGCCAGCCTTGCCCGCAGCCTCCAGGCCCCGCTTGCTCCCCTTCTCTTCC-3'
Protein context (NP_001073964.2, residues 956-976): EAAGKAGLAT[Ala966=]GPGLLPRKPP

ClinVar aggregate classification (germline): Benign/Likely benign. Review status: criteria provided, multiple submitters, no conflicts (2 of 4 stars). 2 submissions from 2 submitters: Benign (1); Likely benign (1). Last evaluated 2022-12-01.

Allele frequency attached by ClinVar (database versions not stated): 1000 Genomes Project 30x 0.00094; ESP Exome Variant Server 0.00245; gnomAD 0.00249 and 0.00250; gnomAD exomes 0.00254 and 0.00429; TOPMed 0.00262; ExAC 0.00372.
gnomAD v4.1: 6,196 of 1,513,418 alleles (0.41%); highest among the groups gnomAD compares: Non-Finnish European, 0.5%; 16 homozygotes.

Submissions (2):

CeGaT Center for Human Genetics Tuebingen
Classification: Likely benign. Last evaluated: 2022-12-01. Review status: criteria provided, single submitter. Criteria: CeGaT Center For Human Genetics Tuebingen Variant Classification Criteria Version 2. Collection method: clinical testing. Allele origin: germline. Affected: yes. Observed: 1 variant allele.
Comment: TNRC18: BP4, BP7

Labcorp Genetics (formerly Invitae), Labcorp
Classification: Benign. Last evaluated: 2018-07-11. Review status: criteria provided, single submitter. Criteria: Invitae Variant Classification Sherloc (09022015). Collection method: clinical testing. Allele origin: germline.